The following is an entry in ClinVar:

NM_001287.6(CLCN7):c.164G>T (p.Arg55Leu)

Gene: CLCN7 (chloride voltage-gated channel 7; minus strand). Cytogenetic location: 16p13.3.
Variant type: single nucleotide variant.
Coding change: c.164G>T on transcript NM_001287.6 (MANE Select); coding-DNA position 164, G replaced by T.
Protein change: p.Arg55Leu; replaces arginine 55 with leucine.
Molecular consequence: missense variant. On other transcripts: intron variant (1).
Genome position (GRCh38, 1-based): chr16:1,465,316, C>A on the plus strand (G>T on the coding strand, the complement: CLCN7 is on the minus strand). VCF-style: chr16-1465316-C-A. GRCh37 (hg19) VCF-style: chr16-1515317-C-A.
Other names: c.142-3642G>T (NM_001114331.3); short protein forms R55L.
Identifiers: ClinVar variation 3637167 (VCV003637167.2).
Genomic context (GRCh38, chr16:1,465,316, plus strand): 5'-CCCCAACTCACCGGGTCCAAAAGTTCATCATCCAGCTCCACGCTGCTCATATGTCCGACT[C>A]GGAAAAGCGCAGAACGTGGTGACTAAAAGCAGAAGAGAAATCATGAGGGCGCTCAGGCGT-3'
Protein context (NP_001278.1, residues 45-65): ARQSPRSALF[Arg55Leu]VGHMSSVELD

ClinVar aggregate classification (germline): Uncertain significance (1 of 4 stars; one submission).

Submission:

Labcorp Genetics (formerly Invitae), Labcorp
Classification: Uncertain significance. Last evaluated: 2025-01-10. Review status: criteria provided, single submitter. Criteria: Invitae Variant Classification Sherloc (09022015). Collection method: clinical testing. Allele origin: germline.
Comment: This sequence change replaces arginine, which is basic and polar, with leucine, which is neutral and non-polar, at codon 55 of the CLCN7 protein (p.Arg55Leu). This variant is not present in population databases (gnomAD no frequency). This variant has not been reported in the literature in individuals affected with CLCN7-related conditions. Invitae Evidence Modeling of protein sequence and biophysical properties (such as structural, functional, and spatial information, amino acid conservation, physicochemical variation, residue mobility, and thermodynamic stability) indicates that this missense variant is not expected to disrupt CLCN7 protein function with a negative predictive value of 95%. In summary, the available evidence is currently insufficient to determine the role of this variant in disease. Therefore, it has been classified as a Variant of Uncertain Significance.